The following is an entry in ClinVar:

NC_000015.9:g.(?_42650583)_(42687745_?)del

Gene: CAPN3 (calpain 3; plus strand). Cytogenetic location: 15q15.1.
Variant type: Deletion.
Identifiers: ClinVar variation 1460117 (VCV001460117.6).

ClinVar aggregate classification (germline): Pathogenic (1 of 4 stars; one submission).

Conditions:
Autosomal recessive limb-girdle muscular dystrophy type 2A (LGMDR1). Also called: Calpainopathy; LEYDEN-MOEBIUS MUSCULAR DYSTROPHY; MUSCULAR DYSTROPHY, PELVOFEMORAL; Limb-girdle muscular dystrophy, type 2A; Muscular dystrophy, limb-girdle, type 2A, Amish. Identifiers: Orphanet 267, MedGen C1869123, MONDO:0009675, OMIM 253600. Disease mechanism: loss of function.

Submission:

Labcorp Genetics (formerly Invitae), Labcorp
Classification: Pathogenic for Autosomal recessive limb-girdle muscular dystrophy type 2A. Last evaluated: 2022-11-01. Review status: criteria provided, single submitter. Criteria: Invitae Variant Classification Sherloc (09022015). Collection method: clinical testing. Allele origin: germline.
Comment: This sequence change is a complex rearrangement involving exons 1-8 of the CAPN3 gene. Although the exact nature of the event is unknown, it likely involves partial deletion and/or inversion of these exons. It is expected to result in an absent or disrupted protein product. Loss-of-function variants in CAPN3 are known to be pathogenic (PMID: 10330340, 15689361). This variant has not been reported in the literature in individuals affected with CAPN3-related conditions. For these reasons, this variant has been classified as Pathogenic.

Literature cited by the submitters: PubMed 10330340; PubMed 15689361.